The following is an entry in ClinVar:

ClinVar aggregate classification (germline): Likely benign (1 of 4 stars; one submission).

Allele frequency attached by ClinVar (database versions not stated): gnomAD exomes below 0.00001; ExAC 0.00001; TOPMed 0.00001.
gnomAD v4.1: 4 of 1,163,939 alleles (0.00034%); highest among the groups gnomAD compares: Non-Finnish European, 0.00035%; no homozygotes.

Submission:

Women's Health and Genetics/Laboratory Corporation of America, LabCorp
Classification: Likely benign. Last evaluated: 2023-08-15. Review status: criteria provided, single submitter. Criteria: LabCorp Variant Classification Summary - May 2015. Collection method: clinical testing. Allele origin: germline.
Comment: Variant summary: PHEX c.850-15A>C alters a conserved nucleotide located at a position not widely known to affect splicing. 4/4 computational tools predict no significant impact on normal splicing. However, these predictions have yet to be confirmed by functional studies. The variant allele was found at a frequency of 5.5e-06 in 183069 control chromosomes including 1 hemizygote. The available data on variant occurrences in the general population are insufficient to allow any conclusion about variant significance. To our knowledge, no occurrence of c.850-15A>C in individuals affected with X-Linked Hypophosphatemic Rickets and no experimental evidence demonstrating its impact on protein function have been reported. No submitters have cited clinical-significance assessments for this variant to ClinVar after 2014. Based on the evidence outlined above, the variant was classified as likely benign.

NM_000444.6(PHEX):c.850-15A>C

Gene: PHEX (phosphate regulating endopeptidase X-linked; plus strand). Cytogenetic location: Xp22.11.
Variant type: single nucleotide variant.
Coding change: c.850-15A>C on transcript NM_000444.6 (MANE Select); 15 bases into the intron before coding-DNA position 850, A replaced by C.
Molecular consequence: intron variant.
Genome position (GRCh38, 1-based): chrX:22,096,940, A>C. VCF-style: chrX-22096940-A-C. GRCh37 (hg19) VCF-style: chrX-22115058-A-C.
Other names: c.850-15A>C (NM_001282754.2).
Identifiers: ClinVar variation 2581705 (VCV002581705.1), dbSNP rs746380161, ClinGen allele CA10368127.